The following is an entry in ClinVar:

NM_000038.6(APC):c.7345A>G (p.Ser2449Gly)

Gene: APC (APC regulator of Wnt signaling pathway; plus strand). Cytogenetic location: 5q22.2.
Variant type: single nucleotide variant.
Coding change: c.7345A>G on transcript NM_000038.6 (MANE Select); coding-DNA position 7345, A replaced by G.
Protein change: p.Ser2449Gly; replaces serine 2449 with glycine.
Molecular consequence: missense variant.
Genome position (GRCh38, 1-based): chr5:112,842,939, A>G. VCF-style: chr5-112842939-A-G. GRCh37 (hg19) VCF-style: chr5-112178636-A-G.
Other names: c.7345A>G, p.Ser2449Gly (NM_001127510.3, NM_001354895.2); c.7291A>G, p.Ser2431Gly (NM_001127511.3); c.7399A>G, p.Ser2467Gly (NM_001354896.2); c.7375A>G, p.Ser2459Gly (NM_001354897.2); c.7270A>G, p.Ser2424Gly (NM_001354898.2); c.7261A>G, p.Ser2421Gly (NM_001354899.2); c.7222A>G, p.Ser2408Gly (NM_001354900.2); c.7168A>G, p.Ser2390Gly (NM_001354901.2); and 5 more; short protein forms S2166G, S2348G, S2358G, S2421G, S2431G, S2449G, S2323G, S2424G.
Identifiers: ClinVar variation 1351612 (VCV001351612.10), dbSNP rs2149985015, ClinGen allele CA16037326.
Genomic context (GRCh38, chr5:112,842,939, plus strand): 5'-TCTGATAGATCAGAAAGACCTGTATTAGTACGCCAGTCAACTTTCATCAAAGAAGCTCCA[A>G]GCCCAACCTTAAGAAGAAAATTGGAGGAATCTGCTTCATTTGAATCTCTTTCTCCATCAT-3'
Protein context (NP_000029.2, residues 2439-2459): RQSTFIKEAP[Ser2449Gly]PTLRRKLEES

ClinVar aggregate classification (germline): Uncertain significance. Review status: criteria provided, multiple submitters, no conflicts (2 of 4 stars). 2 submissions from 2 submitters: Uncertain significance (2). Last evaluated 2021-05-05.

Conditions:
Hereditary cancer-predisposing syndrome. Also called: Neoplastic Syndromes, Hereditary; Tumor predisposition; Hereditary neoplastic syndrome; Hereditary Cancer Syndrome. Identifiers: Orphanet 140162, MedGen C0027672, MeSH D009386, MONDO:0015356.
Familial adenomatous polyposis 1 (FAP1). Also called: FAMILIAL ADENOMATOUS POLYPOSIS 1, ATTENUATED; POLYPOSIS, ADENOMATOUS INTESTINAL. Identifiers: MedGen C2713442, MONDO:0021056, OMIM 175100. Disease mechanism: loss of function.

Submissions (2):

Labcorp Genetics (formerly Invitae), Labcorp
Classification: Uncertain significance for Familial adenomatous polyposis 1. Last evaluated: 2021-05-05. Review status: criteria provided, single submitter. Criteria: Invitae Variant Classification Sherloc (09022015). Collection method: clinical testing. Allele origin: germline.
Comment: This sequence change replaces serine with glycine at codon 2449 of the APC protein (p.Ser2449Gly). The serine residue is highly conserved and there is a small physicochemical difference between serine and glycine. This variant is not present in population databases (ExAC no frequency). This variant has not been reported in the literature in individuals with APC-related conditions. Algorithms developed to predict the effect of missense changes on protein structure and function (SIFT, PolyPhen-2, Align-GVGD) all suggest that this variant is likely to be disruptive, but these predictions have not been confirmed by published functional studies and their clinical significance is uncertain. In summary, the available evidence is currently insufficient to determine the role of this variant in disease. Therefore, it has been classified as a Variant of Uncertain Significance.

Ambry Genetics
Classification: Uncertain significance for Hereditary cancer-predisposing syndrome. Last evaluated: 2018-12-10. Review status: criteria provided, single submitter. Criteria: Ambry Variant Classification Scheme 2023. Collection method: clinical testing. Allele origin: germline.
Comment: The p.S2449G variant (also known as c.7345A>G), located in coding exon 15 of the APC gene, results from an A to G substitution at nucleotide position 7345. The serine at codon 2449 is replaced by glycine, an amino acid with similar properties. This amino acid position is highly conserved in available vertebrate species. In addition, in silico predictors for this gene do not accurately predict pathogenicity. Since supporting evidence is limited at this time, the clinical significance of this alteration remains unclear.